The following is an entry in ClinVar:

ClinVar aggregate classification (germline): Uncertain significance (1 of 4 stars; one submission).

Conditions:
Inborn genetic diseases. Identifiers: MedGen C0950123, MeSH D030342.

gnomAD v4.1: 2 of 1,614,114 alleles (0.00012%); highest among the groups gnomAD compares: African/African-American, 0.0013%; no homozygotes.

Submission:

Ambry Genetics
Classification: Uncertain significance for Inborn genetic diseases. Last evaluated: 2026-03-30. Review status: criteria provided, single submitter. Criteria: Ambry Variant Classification Scheme 2023. Collection method: clinical testing. Allele origin: germline.
Comment: The p.V221I variant (also known as c.661G>A), located in coding exon 1 of the SAMD9L gene, results from a G to A substitution at nucleotide position 661. The valine at codon 221 is replaced by isoleucine, an amino acid with highly similar properties. This amino acid position is conserved. In addition, this alteration is predicted to be tolerated by in silico analysis. Based on the available evidence, the clinical significance of this variant remains unclear.

NM_152703.5(SAMD9L):c.661G>A (p.Val221Ile)

Gene: SAMD9L (sterile alpha motif domain containing 9 like; minus strand). Cytogenetic location: 7q21.2.
Variant type: single nucleotide variant.
Coding change: c.661G>A on transcript NM_152703.5 (MANE Select); coding-DNA position 661, G replaced by A.
Protein change: p.Val221Ile; replaces valine 221 with isoleucine.
Molecular consequence: missense variant.
Genome position (GRCh38, 1-based): chr7:93,135,311, C>T on the plus strand (G>A on the coding strand, the complement: SAMD9L is on the minus strand). VCF-style: chr7-93135311-C-T. GRCh37 (hg19) VCF-style: chr7-92764624-C-T.
Other names: c.661G>A, p.Val221Ile (NM_001303496.3, NM_001303497.3, NM_001303498.3 and 5 more transcripts); short protein forms V221I.
Identifiers: ClinVar variation 4863922 (VCV004863922.1).